The following is an entry in ClinVar:

NM_004260.4(RECQL4):c.3515A>G (p.Tyr1172Cys)

Gene: RECQL4 (RecQ like helicase 4; minus strand). Cytogenetic location: 8q24.3.
Variant type: single nucleotide variant.
Coding change: c.3515A>G on transcript NM_004260.4 (MANE Select); coding-DNA position 3515, A replaced by G.
Protein change: p.Tyr1172Cys; replaces tyrosine 1172 with cysteine.
Molecular consequence: missense variant.
Genome position (GRCh38, 1-based): chr8:144,511,543, T>C on the plus strand (A>G on the coding strand, the complement: RECQL4 is on the minus strand). VCF-style: chr8-144511543-T-C. GRCh37 (hg19) VCF-style: chr8-145736926-T-C.
Other names: short protein forms Y1172C.
Identifiers: ClinVar variation 406949 (VCV000406949.7), dbSNP rs779070043, ClinGen allele CA4947667.

ClinVar aggregate classification (germline): Uncertain significance (1 of 4 stars; one submission).

Conditions:
Baller-Gerold syndrome (BGS). Also called: CRANIOSYNOSTOSIS WITH RADIAL DEFECTS. Identifiers: Orphanet 1225, MedGen C0265308, MONDO:0009039, OMIM 218600.

Allele frequency attached by ClinVar (database versions not stated): gnomAD exomes 0.00002 and 0.00008; ExAC 0.00003; TOPMed 0.00003; gnomAD 0.00005.

Submission:

Labcorp Genetics (formerly Invitae), Labcorp
Classification: Uncertain significance for Baller-Gerold syndrome. Last evaluated: 2025-10-13. Review status: criteria provided, single submitter. Criteria: Invitae Variant Classification Sherloc (09022015). Collection method: clinical testing. Allele origin: germline.
Comment: This sequence change replaces tyrosine, which is neutral and polar, with cysteine, which is neutral and slightly polar, at codon 1172 of the RECQL4 protein (p.Tyr1172Cys). This variant is present in population databases (rs779070043, gnomAD 0.006%). This variant has not been reported in the literature in individuals affected with RECQL4-related conditions. ClinVar contains an entry for this variant (Variation ID: 406949). Invitae Evidence Modeling of protein sequence and biophysical properties (such as structural, functional, and spatial information, amino acid conservation, physicochemical variation, residue mobility, and thermodynamic stability) indicates that this missense variant is expected to disrupt RECQL4 protein function with a positive predictive value of 80%. In summary, the available evidence is currently insufficient to determine the role of this variant in disease. Therefore, it has been classified as a Variant of Uncertain Significance.